The following is an entry in ClinVar:

NM_000179.3(MSH6):c.3266T>G (p.Leu1089Ter)

Gene: MSH6 (mutS homolog 6; plus strand). Cytogenetic location: 2p16.3.
Variant type: single nucleotide variant.
Coding change: c.3266T>G on transcript NM_000179.3 (MANE Select); coding-DNA position 3266, T replaced by G.
Protein change: p.Leu1089Ter; replaces leucine 1089 with a stop codon.
Molecular consequence: nonsense.
Genome position (GRCh38, 1-based): chr2:47,803,513, T>G. VCF-style: chr2-47803513-T-G. GRCh37 (hg19) VCF-style: chr2-48030652-T-G.
Other names: c.2876T>G, p.Leu959Ter (NM_001281492.2); c.2360T>G, p.Leu787Ter (NM_001281493.2, NM_001281494.2); short protein forms L959*, L1089*, L787*.
Identifiers: ClinVar variation 1430186 (VCV001430186.7), dbSNP rs1669748364, ClinGen allele CA346758187.
Genomic context (GRCh38, chr2:47,803,513, plus strand): 5'-GGGGTGATGGTCCTATGTGTCGCCCAGTAATTCTGTTGCCGGAAGATACCCCCCCCTTCT[T>G]AGAGCTTAAAGGATCACGCCATCCTTGCATTACGAAGACTTTTTTTGGAGATGATTTTAT-3'

ClinVar aggregate classification (germline): Pathogenic. Review status: criteria provided, multiple submitters, no conflicts (2 of 4 stars). 2 submissions from 2 submitters: Pathogenic (2). Last evaluated 2023-08-22.

Conditions:
Hereditary nonpolyposis colorectal neoplasms. Identifiers: MedGen C0009405, MeSH D003123.
Lynch syndrome 5 (LYNCH5). Also called: Colorectal cancer, hereditary nonpolyposis, type 5; Hereditary non-polyposis colorectal cancer, type 5. Identifiers: Orphanet 144, MedGen C1833477, MONDO:0013710, OMIM 614350. Disease mechanism: loss of function.

Submissions (2):

Myriad Genetics, Inc.
Classification: Pathogenic for Lynch syndrome 5. Last evaluated: 2023-08-22. Review status: criteria provided, single submitter. Criteria: Myriad Autosomal Dominant, Autosomal Recessive and X-Linked Classification Criteria (2023). Collection method: clinical testing. Allele origin: unknown.
Comment: This variant is considered pathogenic. This variant creates a termination codon and is predicted to result in premature protein truncation.

Labcorp Genetics (formerly Invitae), Labcorp
Classification: Pathogenic for Hereditary nonpolyposis colorectal neoplasms. Last evaluated: 2021-02-14. Review status: criteria provided, single submitter. Criteria: Invitae Variant Classification Sherloc (09022015). Collection method: clinical testing. Allele origin: germline.
Comment: For these reasons, this variant has been classified as Pathogenic. This variant has not been reported in the literature in individuals with MSH6-related conditions. This variant is not present in population databases (ExAC no frequency). This sequence change creates a premature translational stop signal (p.Leu1089*) in the MSH6 gene. It is expected to result in an absent or disrupted protein product. Loss-of-function variants in MSH6 are known to be pathogenic (PMID: 18269114, 24362816).

Literature cited by the submitters: PubMed 18269114 (cited by Labcorp Genetics (formerly Invitae), Labcorp); PubMed 24362816 (cited by Labcorp Genetics (formerly Invitae), Labcorp).